The following is an entry in ClinVar:

ClinVar aggregate classification (germline): Uncertain significance (1 of 4 stars; one submission).

Conditions:
Inborn genetic diseases. Identifiers: MedGen C0950123, MeSH D030342.

gnomAD v4.1: 1 of 1,613,102 alleles (0.000062%); highest among the groups gnomAD compares: African/African-American, 0.0013%; no homozygotes.

Submission:

Ambry Genetics
Classification: Uncertain significance for Inborn genetic diseases. Last evaluated: 2024-11-30. Review status: criteria provided, single submitter. Criteria: Ambry Variant Classification Scheme 2023. Collection method: clinical testing. Allele origin: germline.
Comment: The p.I304M variant (also known as c.912C>G), located in coding exon 5 of the ETV6 gene, results from a C to G substitution at nucleotide position 912. The isoleucine at codon 304 is replaced by methionine, an amino acid with highly similar properties. This amino acid position is conserved. In addition, this alteration is predicted to be tolerated by in silico analysis. Based on the available evidence, the clinical significance of this variant remains unclear.

NM_001987.5(ETV6):c.912C>G (p.Ile304Met)

Gene: ETV6 (ETS variant transcription factor 6; plus strand). Cytogenetic location: 12p13.2.
Variant type: single nucleotide variant.
Coding change: c.912C>G on transcript NM_001987.5 (MANE Select); coding-DNA position 912, C replaced by G.
Protein change: p.Ile304Met; replaces isoleucine 304 with methionine.
Molecular consequence: missense variant.
Genome position (GRCh38, 1-based): chr12:11,869,872, C>G. VCF-style: chr12-11869872-C-G. GRCh37 (hg19) VCF-style: chr12-12022806-C-G.
Other names: c.909C>G, p.Ile303Met (NM_001413913.1); c.885C>G, p.Ile295Met (NM_001413914.1); c.648C>G, p.Ile216Met (NM_001413915.1); c.912C>G, p.Ile304Met (NM_001413916.1, NM_001413917.1); short protein forms I295M, I304M, I303M, I216M.
Identifiers: ClinVar variation 3510603 (VCV003510603.1).
Genomic context (GRCh38, chr12:11,869,872, plus strand): 5'-CGTGGATTTCAAACAGTCCAGGCTCTCCGAGGACGGGCTGCATAGGGAAGGGAAGCCCAT[C>G]AACCTCTCTCATCGGGAAGACCTGGCTTACATGAACCACATCATGGTCTCTGTCTCCCCG-3'
Protein context (NP_001978.1, residues 294-314): EDGLHREGKP[Ile304Met]NLSHREDLAY